The following is an entry in ClinVar:

NC_000013.10:g.(?_32930712)_(32933142_?)del

Gene: BRCA2 (BRCA2 DNA repair associated; plus strand). Cytogenetic location: 13q13.1.
Variant type: Deletion.
Identifiers: ClinVar variation 3244186 (VCV003244186.1).

ClinVar aggregate classification (germline): Likely pathogenic (1 of 4 stars; one submission).

Conditions:
Hereditary breast ovarian cancer syndrome. Also called: Hereditary breast and ovarian cancer syndrome; Hereditary breast and ovarian cancer; Hereditary breast and ovarian cancer syndrome (HBOC); Breast and ovarian cancer; Hereditary breast and/or ovarian cancer syndrome; BRCA1- and BRCA2-Associated Hereditary Breast and Ovarian Cancer. Identifiers: Orphanet 145, MedGen C0677776, MeSH D061325, MONDO:0003582. Disease mechanism: loss of function.

Submission:

Labcorp Genetics (formerly Invitae), Labcorp
Classification: Likely pathogenic for Hereditary breast ovarian cancer syndrome. Last evaluated: 2019-08-25. Review status: criteria provided, single submitter. Criteria: Invitae Variant Classification Sherloc (09022015). Collection method: clinical testing. Allele origin: unknown.
Comment: In summary, the currently available evidence indicates that the variant is pathogenic, but additional data are needed to prove that conclusively. Therefore, this variant has been classified as Likely Pathogenic. Loss-of-function variants in BRCA2 are known to be pathogenic (PMID: 20104584). This variant has not been reported in the literature in individuals with BRCA2-related conditions. This variant results in the deletion of exon(s) 16 and part of exon 15 (c.7587_7805+1080del) of the BRCA2 gene. It is expected to disrupt RNA splicing and likely results in an absent or disrupted protein product.

Literature cited by the submitters: PubMed 20104584.